The following is an entry in ClinVar:

NM_030667.3(PTPRO):c.1871C>G (p.Ser624Cys)

Gene: PTPRO (protein tyrosine phosphatase receptor type O; plus strand). Cytogenetic location: 12p12.3.
Variant type: single nucleotide variant.
Coding change: c.1871C>G on transcript NM_030667.3 (MANE Select); coding-DNA position 1871, C replaced by G.
Protein change: p.Ser624Cys; replaces serine 624 with cysteine.
Molecular consequence: missense variant.
Genome position (GRCh38, 1-based): chr12:15,520,292, C>G. VCF-style: chr12-15520292-C-G. GRCh37 (hg19) VCF-style: chr12-15673226-C-G.
Other names: p.Ser624Cys; c.1871C>G, p.Ser624Cys (NM_002848.4); short protein forms S624C.
Identifiers: ClinVar variation 4541701 (VCV004541701.1).
Genomic context (GRCh38, chr12:15,520,292, plus strand): 5'-ACAACTTCCGGGTTACCATGGTGACGTGGGGAGATCCAGAATTGAGCTGCTGTGACAGCT[C>G]TACCATCAGCTTCATAACAGGTGAGGCATGTGTGGGGAACAGTTCCACAAGGAGAGAGCA-3'
Protein context (NP_109592.1, residues 614-634): GDPELSCCDS[Ser624Cys]TISFITAPVA

ClinVar aggregate classification (germline): Uncertain significance (1 of 4 stars; one submission).

gnomAD v4.1: 39 of 1,612,696 alleles (0.0024%); highest among the groups gnomAD compares: Non-Finnish European, 0.0032%; no homozygotes.

Submission:

Mayo Clinic Laboratories, Mayo Clinic
Classification: Uncertain significance. Last evaluated: 2025-09-24. Review status: criteria provided, single submitter. Criteria: ACMG Guidelines, 2015. Collection method: clinical testing. Allele origin: germline. Observed: 1 variant allele.
Comment: BP4